The following is an entry in ClinVar:

NM_014712.3(SETD1A):c.722C>T (p.Thr241Ile)

Gene: SETD1A (SET domain containing 1A, histone lysine methyltransferase; plus strand). Cytogenetic location: 16p11.2.
Variant type: single nucleotide variant.
Coding change: c.722C>T on transcript NM_014712.3 (MANE Select); coding-DNA position 722, C replaced by T.
Protein change: p.Thr241Ile; replaces threonine 241 with isoleucine.
Molecular consequence: missense variant.
Genome position (GRCh38, 1-based): chr16:30,964,176, C>T. VCF-style: chr16-30964176-C-T. GRCh37 (hg19) VCF-style: chr16-30975497-C-T.
Other names: short protein forms T241I.
Identifiers: ClinVar variation 3239447 (VCV003239447.19), dbSNP rs1238090527.

ClinVar aggregate classification (germline): Uncertain significance (1 of 4 stars; one submission).

gnomAD v4.1: 1 of 1,614,020 alleles (0.000062%); highest among the groups gnomAD compares: Non-Finnish European, 0.000085%; no homozygotes.

Submission:

CeGaT Center for Human Genetics Tuebingen
Classification: Uncertain significance. Last evaluated: 2024-05-01. Review status: criteria provided, single submitter. Criteria: CeGaT Center For Human Genetics Tuebingen Variant Classification Criteria Version 2. Collection method: clinical testing. Allele origin: germline. Affected: yes. Observed: 1 variant allele.
Comment: SETD1A: PM2:Supporting